The following is an entry in ClinVar:

ClinVar aggregate classification (germline): Uncertain significance (1 of 4 stars; one submission).

Allele frequency attached by ClinVar (database versions not stated): gnomAD exomes below 0.00001.

Submission:

Ambry Genetics
Classification: Uncertain significance. Last evaluated: 2024-08-12. Review status: criteria provided, single submitter. Criteria: Ambry Variant Classification Scheme 2023. Collection method: clinical testing. Allele origin: germline.
Comment: The p.N484Y variant (also known as c.1450A>T), located in coding exon 1 of the MLH3 gene, results from an A to T substitution at nucleotide position 1450. The asparagine at codon 484 is replaced by tyrosine, an amino acid with dissimilar properties. This amino acid position is conserved. In addition, the in silico prediction for this alteration is inconclusive. Since supporting evidence is limited at this time, the clinical significance of this alteration remains unclear.

NM_001040108.2(MLH3):c.1450A>T (p.Asn484Tyr)

Gene: MLH3 (mutL homolog 3; minus strand). Cytogenetic location: 14q24.3.
Variant type: single nucleotide variant.
Coding change: c.1450A>T on transcript NM_001040108.2 (MANE Select); coding-DNA position 1450, A replaced by T.
Protein change: p.Asn484Tyr; replaces asparagine 484 with tyrosine.
Molecular consequence: missense variant.
Genome position (GRCh38, 1-based): chr14:75,048,206, T>A on the plus strand (A>T on the coding strand, the complement: MLH3 is on the minus strand). VCF-style: chr14-75048206-T-A. GRCh37 (hg19) VCF-style: chr14-75514909-T-A.
Other names: c.1450A>T, p.Asn484Tyr (NM_014381.3); short protein forms N484Y.
Identifiers: ClinVar variation 1772936 (VCV001772936.3), dbSNP rs2503295305, ClinGen allele CA390445591.